The following is an entry in ClinVar:

ClinVar aggregate classification (germline): Uncertain significance (1 of 4 stars; one submission).

Conditions:
Autoimmune lymphoproliferative syndrome type 1. Also called: AUTOIMMUNE LYMPHOPROLIFERATIVE SYNDROME, TYPE I, AUTOSOMAL DOMINANT. Identifiers: Orphanet 3261, MedGen C2717884, MONDO:0011158, OMIM 601859.

Submission:

Labcorp Genetics (formerly Invitae), Labcorp
Classification: Uncertain significance for Autoimmune lymphoproliferative syndrome. Last evaluated: 2023-02-06. Review status: criteria provided, single submitter. Criteria: Invitae Variant Classification Sherloc (09022015). Collection method: clinical testing. Allele origin: germline.
Comment: In summary, the available evidence is currently insufficient to determine the role of this variant in disease. Therefore, it has been classified as a Variant of Uncertain Significance. Advanced modeling of protein sequence and biophysical properties (such as structural, functional, and spatial information, amino acid conservation, physicochemical variation, residue mobility, and thermodynamic stability) performed at Invitae indicates that this missense variant is expected to disrupt FAS protein function. This variant has not been reported in the literature in individuals affected with FAS-related conditions. This variant is not present in population databases (gnomAD no frequency). This sequence change replaces cysteine, which is neutral and slightly polar, with tyrosine, which is neutral and polar, at codon 129 of the FAS protein (p.Cys129Tyr).

NM_000043.6(FAS):c.386G>A (p.Cys129Tyr)

Gene: FAS (Fas cell surface death receptor; plus strand). Cytogenetic location: 10q23.31.
Variant type: single nucleotide variant.
Coding change: c.386G>A on transcript NM_000043.6 (MANE Select); coding-DNA position 386, G replaced by A.
Protein change: p.Cys129Tyr; replaces cysteine 129 with tyrosine.
Molecular consequence: missense variant. On other transcripts: non-coding transcript variant (1).
Genome position (GRCh38, 1-based): chr10:89,008,940, G>A. VCF-style: chr10-89008940-G-A. GRCh37 (hg19) VCF-style: chr10-90768697-G-A.
Other names: c.386G>A, p.Cys129Tyr (NM_001320619.2, NM_152871.4, NM_152872.4); c.431G>A, p.Cys144Tyr (NM_001410956.1); short protein forms C129Y, C144Y.
Identifiers: ClinVar variation 2835065 (VCV002835065.3), dbSNP rs2495123676, ClinGen allele CA377508666.
Genomic context (GRCh38, chr10:89,008,940, plus strand): 5'-ATTTTCTAGGCTTAGAAGTGGAAATAAACTGCACCCGGACCCAGAATACCAAGTGCAGAT[G>A]TAAACCAAACTTTTTTTGTAACTCTACTGTATGTGAACACTGTGACCCTTGCACCAAGTA-3'
Protein context (NP_000034.1, residues 119-139): CTRTQNTKCR[Cys129Tyr]KPNFFCNSTV